The following is an entry in ClinVar:

ClinVar aggregate classification (germline): Likely pathogenic. Review status: criteria provided, single submitter (1 of 4 stars). 2 submissions from 2 submitters: Likely pathogenic (1). 1 of the submissions does not count toward it. Last evaluated 2020-09-09.

Conditions:
ACCES syndrome (ACCES). Also called: APLASIA CUTIS CONGENITA WITH ECTRODACTYLY SKELETAL SYNDROME. Identifiers: MedGen C5677019, MONDO:0859262, OMIM 619959.

Submissions (2):

GeneDx
Classification: Likely pathogenic. Last evaluated: 2020-09-09. Review status: criteria provided, single submitter. Criteria: GeneDx Variant Classification (06012015). Collection method: clinical testing. Allele origin: germline. Affected: yes.

OMIM
Classification: Pathogenic for ACCES SYNDROME. Last evaluated: 2022-07-14. Review status: no assertion criteria provided. Collection method: literature only. Allele origin: germline. Not counted in ClinVar's aggregate classification.

Literature cited by the submitters: PubMed 34040189 (cited by OMIM).

NM_005499.3(UBA2):c.1447G>A (p.Glu483Lys)

Gene: UBA2 (ubiquitin like modifier activating enzyme 2; plus strand). Cytogenetic location: 19q13.11.
Variant type: single nucleotide variant.
Coding change: c.1447G>A on transcript NM_005499.3 (MANE Select); coding-DNA position 1447, G replaced by A.
Protein change: p.Glu483Lys; replaces glutamic acid 483 with lysine.
Molecular consequence: missense variant.
Genome position (GRCh38, 1-based): chr19:34,460,515, G>A. VCF-style: chr19-34460515-G-A. GRCh37 (hg19) VCF-style: chr19-34951420-G-A.
Other names: short protein forms E483K.
Identifiers: ClinVar variation 979178 (VCV000979178.2), dbSNP rs2075619600, ClinGen allele CA405257904.